The following is an entry in ClinVar:

ClinVar aggregate classification (germline): Uncertain significance (1 of 4 stars; one submission).

Allele frequency attached by ClinVar (database versions not stated): TOPMed 0.00002; ESP Exome Variant Server 0.00008.
gnomAD v4.1: 13 of 1,613,764 alleles (0.00081%); highest among the groups gnomAD compares: Non-Finnish European, 0.0011%; no homozygotes.

Submission:

Labcorp Genetics (formerly Invitae), Labcorp
Classification: Uncertain significance. Last evaluated: 2025-07-17. Review status: criteria provided, single submitter. Criteria: Invitae Variant Classification Sherloc (09022015). Collection method: clinical testing. Allele origin: germline.
Comment: This sequence change replaces tyrosine, which is neutral and polar, with phenylalanine, which is neutral and non-polar, at codon 147 of the PRKN protein (p.Tyr147Phe). This variant is not present in population databases (gnomAD no frequency). This missense change has been observed in individual(s) with PRKN-related conditions (PMID: 32442813). ClinVar contains an entry for this variant (Variation ID: 655312). Invitae Evidence Modeling of protein sequence and biophysical properties (such as structural, functional, and spatial information, amino acid conservation, physicochemical variation, residue mobility, and thermodynamic stability) indicates that this missense variant is not expected to disrupt PRKN protein function with a negative predictive value of 80%. In summary, the available evidence is currently insufficient to determine the role of this variant in disease. Therefore, it has been classified as a Variant of Uncertain Significance.

Literature cited by the submitters: PubMed 32442813.

NM_004562.3(PRKN):c.440A>T (p.Tyr147Phe)

Genes: PRKN (parkin RBR E3 ubiquitin protein ligase; minus strand), LOC126859871 (MED14-independent group 3 enhancer GRCh37_chr6:162621359-162622558; plus strand). Cytogenetic location: 6q26.
Variant type: single nucleotide variant.
Coding change: c.440A>T on transcript NM_004562.3 (MANE Select); coding-DNA position 440, A replaced by T.
Protein change: p.Tyr147Phe; replaces tyrosine 147 with phenylalanine.
Molecular consequence: missense variant. On other transcripts: intron variant (1).
Genome position (GRCh38, 1-based): chr6:162,201,225, T>A on the plus strand (A>T on the coding strand, the complement: PRKN is on the minus strand). VCF-style: chr6-162201225-T-A. GRCh37 (hg19) VCF-style: chr6-162622257-T-A.
Other names: c.440A>T, p.Tyr147Phe (NM_013987.3); c.172-227808A>T (NM_013988.3); short protein forms Y147F.
Identifiers: ClinVar variation 655312 (VCV000655312.9), dbSNP rs149379304, ClinGen allele CA151069250.